The following is an entry in ClinVar:

NM_000747.3(CHRNB1):c.144G>A (p.Val48=)

Gene: CHRNB1 (cholinergic receptor nicotinic beta 1 subunit; plus strand). Cytogenetic location: 17p13.1.
Variant type: single nucleotide variant.
Coding change: c.144G>A on transcript NM_000747.3 (MANE Select); coding-DNA position 144, G replaced by A.
Protein change: p.Val48=; no amino-acid change (valine 48 retained).
Molecular consequence: synonymous variant.
Genome position (GRCh38, 1-based): chr17:7,445,355, G>A. VCF-style: chr17-7445355-G-A. GRCh37 (hg19) VCF-style: chr17-7348674-G-A.
Identifiers: ClinVar variation 3646628 (VCV003646628.2).

ClinVar aggregate classification (germline): Uncertain significance (1 of 4 stars; one submission).

Conditions:
Congenital myasthenic syndrome 2A. Also called: Myasthenic syndrome, congenital, 2a, slow-channel. Identifiers: Orphanet 590, MedGen C4225374, MONDO:0014581, OMIM 616313.

gnomAD v4.1: 13 of 1,612,902 alleles (0.00081%); highest among the groups gnomAD compares: South Asian, 0.0088%; no homozygotes.

Submission:

Labcorp Genetics (formerly Invitae), Labcorp
Classification: Uncertain significance for Congenital myasthenic syndrome 2A. Last evaluated: 2024-07-23. Review status: criteria provided, single submitter. Criteria: Invitae Variant Classification Sherloc (09022015). Collection method: clinical testing. Allele origin: germline.
Comment: This sequence change affects codon 48 of the CHRNB1 mRNA. It is a 'silent' change, meaning that it does not change the encoded amino acid sequence of the CHRNB1 protein. This variant is present in population databases (rs768429056, gnomAD 0.01%). This variant has not been reported in the literature in individuals affected with CHRNB1-related conditions. Algorithms developed to predict the effect of sequence changes on RNA splicing suggest that this variant may create or strengthen a splice site. In summary, the available evidence is currently insufficient to determine the role of this variant in disease. Therefore, it has been classified as a Variant of Uncertain Significance.